The following is an entry in ClinVar:

ClinVar aggregate classification (germline): Likely benign (0 of 4 stars; one submission).

Conditions:
COL4A6-related disorder. Also called: COL4A6-related condition.

Allele frequency attached by ClinVar (database versions not stated): ExAC 0.00002; gnomAD exomes 0.00002.
gnomAD v4.1: 20 of 1,209,156 alleles (0.0017%); highest among the groups gnomAD compares: South Asian, 0.034%; no homozygotes.

Submission:

PreventionGenetics, part of Exact Sciences
Classification: Likely benign for COL4A6-related condition. Last evaluated: 2019-12-05. Review status: no assertion criteria provided. Collection method: clinical testing. Allele origin: germline.
Comment: This variant is classified as likely benign based on ACMG/AMP sequence variant interpretation guidelines (Richards et al. 2015 PMID: 25741868, with internal and published modifications).

NM_033641.4(COL4A6):c.4362G>A (p.Gly1454=)

Gene: COL4A6 (collagen type IV alpha 6 chain; minus strand). Cytogenetic location: Xq22.3.
Variant type: single nucleotide variant.
Coding change: c.4362G>A on transcript NM_033641.4 (MANE Select); coding-DNA position 4362, G replaced by A.
Protein change: p.Gly1454=; no amino-acid change (glycine 1454 retained).
Molecular consequence: synonymous variant.
Genome position (GRCh38, 1-based): chrX:108,160,626, C>T on the plus strand (G>A on the coding strand, the complement: COL4A6 is on the minus strand). VCF-style: chrX-108160626-C-T. GRCh37 (hg19) VCF-style: chrX-107403856-C-T.
Other names: c.4413G>A, p.Gly1471= (NM_001287758.2); c.4290G>A, p.Gly1430= (NM_001287759.2); c.4191G>A, p.Gly1397= (NM_001287760.2); c.4365G>A, p.Gly1455= (NM_001847.4).
Identifiers: ClinVar variation 3048555 (VCV003048555.2), dbSNP rs771657315, ClinGen allele CA10487200.